The following is an entry in ClinVar:

NM_000993.5(RPL31):c.169A>G (p.Met57Val)

Gene: RPL31 (ribosomal protein L31; plus strand). Cytogenetic location: 2q11.2.
Variant type: single nucleotide variant.
Coding change: c.169A>G on transcript NM_000993.5 (MANE Select); coding-DNA position 169, A replaced by G.
Protein change: p.Met57Val; replaces methionine 57 with valine.
Molecular consequence: missense variant.
Genome position (GRCh38, 1-based): chr2:101,004,219, A>G. VCF-style: chr2-101004219-A-G. GRCh37 (hg19) VCF-style: chr2-101620681-A-G.
Other names: c.169A>G, p.Met57Val (NM_001098577.3, NM_001099693.2); short protein forms M57V.
Identifiers: ClinVar variation 3678620 (VCV003678620.2).

ClinVar aggregate classification (germline): Uncertain significance (1 of 4 stars; one submission).

gnomAD v4.1: 1 of 1,614,020 alleles (0.000062%); no homozygotes.

Submission:

Labcorp Genetics (formerly Invitae), Labcorp
Classification: Uncertain significance. Last evaluated: 2025-01-23. Review status: criteria provided, single submitter. Criteria: Invitae Variant Classification Sherloc (09022015). Collection method: clinical testing. Allele origin: germline.
Comment: This sequence change replaces methionine, which is neutral and non-polar, with valine, which is neutral and non-polar, at codon 57 of the RPL31 protein (p.Met57Val). This variant is not present in population databases (gnomAD no frequency). This variant has not been reported in the literature in individuals affected with RPL31-related conditions. An algorithm developed to predict the effect of missense changes on protein structure and function (PolyPhen-2) suggests that this variant is likely to be tolerated. In summary, the available evidence is currently insufficient to determine the role of this variant in disease. Therefore, it has been classified as a Variant of Uncertain Significance.